The following is an entry in ClinVar:

ClinVar aggregate classification (germline): Conflicting classifications of pathogenicity. Review status: criteria provided, conflicting classifications (1 of 4 stars). 10 submissions from 10 submitters: Likely pathogenic (1); Uncertain significance (8). 1 of the submissions does not count toward it. Last evaluated 2026-09-09.

Conditions:
Inborn genetic diseases. Identifiers: MedGen C0950123, MeSH D030342.
Smith-Lemli-Opitz syndrome (SLOS). Also called: 7-Dehydrocholesterol reductase deficiency; POLYDACTYLY, SEX REVERSAL, RENAL HYPOPLASIA, AND UNILOBAR LUNG; RSH SYNDROME; RUTLEDGE LETHAL MULTIPLE CONGENITAL ANOMALY SYNDROME; LETHAL ACRODYSGENITAL SYNDROME. Identifiers: Orphanet 818, MedGen C0175694, MONDO:0010035, OMIM 270400.

Allele frequency attached by ClinVar (database versions not stated): gnomAD exomes 0.00007 and 0.00006; 1000 Genomes Project 0.00040; 1000 Genomes Project 30x 0.00047; gnomAD 0.00004 and 0.00006; TOPMed 0.00006; ExAC 0.00007.
gnomAD v4.1: 111 of 1,613,076 alleles (0.0069%); highest among the groups gnomAD compares: Non-Finnish European, 0.0091%; no homozygotes.

Submissions (10):

GeneDx
Classification: Likely pathogenic. Last evaluated: 2026-09-09. Review status: criteria provided, single submitter. Criteria: GeneDx Variant Classification Process June 2021. Collection method: clinical testing. Allele origin: germline.
Comment: Not observed at significant frequency in large population cohorts (gnomAD); In silico analysis supports that this missense variant has a deleterious effect on protein structure/function; This variant is associated with the following publications: (PMID: 34426522, 12270273, 29300326, 40725494, 42237847, LeyTung2024[Poster], Dillahunt2024[Case report])

Women's Health and Genetics/Laboratory Corporation of America, LabCorp
Classification: Uncertain significance. Last evaluated: 2025-11-10. Review status: criteria provided, single submitter. Criteria: LabCorp Variant Classification Summary - May 2015. Collection method: clinical testing. Allele origin: germline.
Comment: Variant summary: DHCR7 c.1087C>T (p.Arg363Cys) results in a non-conservative amino acid change in the encoded protein sequence. Algorithms developed to predict the effect of missense changes on protein structure and function all suggest that this variant is likely to be disruptive. The variant allele was found at a frequency of 5.6e-05 in 248840 control chromosomes. This frequency is not significantly higher than estimated for disease-causing variants in DHCR7, allowing no conclusion about variant significance. c.1087C>T has been reported in at least one compound heterozygous individual affected with Smith-Lemli-Opitz Syndrome; the individual displayed a moderate phenotype and elevated 7DHC levels (Patrono_2002).. These data do not allow any conclusion about variant significance. To our knowledge, no experimental evidence demonstrating an impact on protein function has been reported. The following publications have been ascertained in the context of this evaluation (PMID: 12270273, 29300326). ClinVar contains an entry for this variant (Variation ID: 588107). Based on the evidence outlined above, the variant was classified as uncertain significance.

Dasa
Classification: Uncertain significance. Last evaluated: 2025-02-18. Review status: criteria provided, single submitter. Criteria: DASA Assertion Criteria. Collection method: clinical testing. Allele origin: germline.
Comment: NM_001360.3(DHCR7):c.1087C>T (p.Arg363Cys) is a missense variant that results in the substitution of arginine with cysteine. This variant has been observed in affected individuals with DHCR7-related disorders. Also, this variant is rare in population databases. Computational prediction algorithms are consistent with a deleterious effect. The currently available literature and clinical evidence are not sufficient to establish a definitive association between this variant and the reported condition. Therefore, this variant is classified as a variant of uncertain significance.

Blueprint Genetics
Classification: Uncertain significance. Last evaluated: 2024-11-06. Review status: criteria provided, single submitter. Criteria: ACMG Guidelines, 2015. Collection method: clinical testing. Allele origin: germline.

Fulgent Genetics
Classification: Uncertain significance for Smith-Lemli-Opitz syndrome. Last evaluated: 2024-06-06. Review status: criteria provided, single submitter. Criteria: ACMG Guidelines, 2015. Collection method: clinical testing. Allele origin: germline.

Department of Pathology and Laboratory Medicine, Sinai Health System
Classification: Uncertain significance for Smith-Lemli-Opitz syndrome. Last evaluated: 2021-07-30. Review status: criteria provided, single submitter. Criteria: ACMG Guidelines, 2015. Collection method: research. Allele origin: germline.

Ambry Genetics
Classification: Uncertain significance for Inborn genetic diseases. Last evaluated: 2019-06-14. Review status: criteria provided, single submitter. Criteria: Ambry Variant Classification Scheme 2023. Collection method: clinical testing. Allele origin: germline.
Comment: The p.R363C variant (also known as c.1087C>T), located in coding exon 7 of the DHCR7 gene, results from a C to T substitution at nucleotide position 1087. The arginine at codon 363 is replaced by cysteine, an amino acid with highly dissimilar properties. This variant was identified in an individual suspicious for Smith-Lemli-Opitz syndrome who also carried the p.V330M variant; however, this individual did not have elevated levels of 7DHC and cholesterol levels were not measured (Patrono C et al. Mol. Cell. Probes, 2002 Aug;16:315-8). This amino acid position is well conserved in available vertebrate species. In addition, this alteration is predicted to be deleterious by in silico analysis. Based on available evidence to date, the clinical significance of this alteration remains unclear.

Eurofins Ntd Llc (ga)
Classification: Uncertain significance. Last evaluated: 2018-07-06. Review status: criteria provided, single submitter. Criteria: EGL ClinVar v180209 classification definitions. Collection method: clinical testing. Allele origin: germline. Observed: 2 variant alleles, 2 heterozygotes.

Juno Genomics, Hangzhou Juno Genomics, Inc
Classification: Uncertain significance for Smith-Lemli-Opitz syndrome. Review status: criteria provided, single submitter. Criteria: ACMG Guidelines, 2015. Collection method: clinical testing. Allele origin: germline.
Comment: Absent from controls (or at extremely low frequency if recessive) in Genome Aggregation Database.;Multiple lines of computational evidence support a deleterious effect on the gene or gene product.;Patient's phenotype or family history is highly specific for a disease with a single genetic etiology.

Natera, Inc.
Classification: Uncertain significance for Smith-Lemli-Opitz syndrome. Last evaluated: 2019-01-02. Review status: no assertion criteria provided. Collection method: clinical testing. Allele origin: germline. Not counted in ClinVar's aggregate classification.

Literature cited by the submitters: PubMed 12270273 (cited by 3 submitters); PubMed 29300326 (cited by Women's Health and Genetics/Laboratory Corporation of America, LabCorp).

NM_001360.3(DHCR7):c.1087C>T (p.Arg363Cys)

Gene: DHCR7 (7-dehydrocholesterol reductase; minus strand). Cytogenetic location: 11q13.4.
Variant type: single nucleotide variant.
Coding change: c.1087C>T on transcript NM_001360.3 (MANE Select); coding-DNA position 1087, C replaced by T.
Protein change: p.Arg363Cys; replaces arginine 363 with cysteine.
Molecular consequence: missense variant.
Genome position (GRCh38, 1-based): chr11:71,435,716, G>A on the plus strand (C>T on the coding strand, the complement: DHCR7 is on the minus strand). VCF-style: chr11-71435716-G-A. GRCh37 (hg19) VCF-style: chr11-71146762-G-A.
Other names: c.1087C>T, p.Arg363Cys (NM_001163817.2); short protein forms R363C.
Identifiers: ClinVar variation 588107 (VCV000588107.21), dbSNP rs547012639, ClinGen allele CA6162316.